The following is an entry in ClinVar:

NM_000051.4(ATM):c.3577G>A (p.Val1193Ile)

Gene: ATM (ATM serine/threonine kinase; plus strand). Cytogenetic location: 11q22.3.
Variant type: single nucleotide variant.
Coding change: c.3577G>A on transcript NM_000051.4 (MANE Select); coding-DNA position 3577, G replaced by A.
Protein change: p.Val1193Ile; replaces valine 1193 with isoleucine.
Molecular consequence: missense variant.
Genome position (GRCh38, 1-based): chr11:108,282,710, G>A. VCF-style: chr11-108282710-G-A. GRCh37 (hg19) VCF-style: chr11-108153437-G-A.
Other names: c.3577G>A, p.Val1193Ile (NM_001351834.2); short protein forms V1193I.
Identifiers: ClinVar variation 186973 (VCV000186973.33), dbSNP rs779148780, ClinGen allele CA196377.

ClinVar aggregate classification (germline): Uncertain significance. Review status: criteria provided, multiple submitters, no conflicts (2 of 4 stars). 11 submissions from 11 submitters: Uncertain significance (10). 1 of the submissions does not count toward it. Last evaluated 2025-04-15.

Conditions:
ATM-related disorder. Also called: ATM-related disorders; ATM-related condition.
Breast and/or ovarian cancer. Identifiers: MedGen CN221562.
Hereditary cancer-predisposing syndrome. Also called: Hereditary Cancer Syndrome; Neoplastic Syndromes, Hereditary; Tumor predisposition; Hereditary neoplastic syndrome. Identifiers: Orphanet 140162, MedGen C0027672, MeSH D009386, MONDO:0015356.
Familial cancer of breast. Also called: BREAST CANCER, FAMILIAL; Hereditary breast cancer; hereditary breast carcinoma. Identifiers: Orphanet 227535, MedGen C0346153, MONDO:0016419, OMIM 114480. Disease mechanism: loss of function.
Ataxia-telangiectasia syndrome (AT). Also called: Ataxia-telangiectasia, complementation group D; AT, COMPLEMENTATION GROUP C; ATAXIA-TELANGIECTASIA, COMPLEMENTATION GROUP A; ATAXIA-TELANGIECTASIA, FRESNO VARIANT; Ataxia-telangiectasia; LOUIS-BAR SYNDROME. Identifiers: Orphanet 100, MedGen C0004135, MONDO:0008840, OMIM 208900.

Allele frequency attached by ClinVar (database versions not stated): ExAC 0.00001; TOPMed 0.00001; gnomAD exomes 0.00002.

Submissions (11):

Ambry Genetics
Classification: Uncertain significance for Hereditary cancer-predisposing syndrome. Last evaluated: 2025-04-15. Review status: criteria provided, single submitter. Criteria: Ambry Variant Classification Scheme 2023. Collection method: clinical testing. Allele origin: germline.
Comment: The p.V1193I variant (also known as c.3577G>A) is located in coding exon 24 of the ATM gene. The valine at codon 1193 is replaced by isoleucine, an amino acid with highly similar properties. This change occurs in the first base pair of coding exon 24. This amino acid position is highly conserved in available vertebrate species. In addition, this alteration is predicted to be tolerated by in silico analysis. Based on the available evidence, the clinical significance of this variant remains unclear.

Color Diagnostics, LLC DBA Color Health
Classification: Uncertain significance for Hereditary cancer-predisposing syndrome. Last evaluated: 2024-11-05. Review status: criteria provided, single submitter. Criteria: ACMG Guidelines, 2015. Collection method: clinical testing. Allele origin: germline.
Comment: This missense variant replaces valine with isoleucine at codon 1193 of the ATM protein. Computational prediction suggests that this variant may not impact protein structure and function. To our knowledge, functional studies have not been reported for this variant. This variant has not been reported in individuals affected with hereditary cancer in the literature. This variant has been identified in 4/250518 chromosomes in the general population by the Genome Aggregation Database (gnomAD). The available evidence is insufficient to determine the role of this variant in disease conclusively. Therefore, this variant is classified as a Variant of Uncertain Significance.

Labcorp Genetics (formerly Invitae), Labcorp
Classification: Uncertain significance for Ataxia-telangiectasia syndrome. Last evaluated: 2024-10-02. Review status: criteria provided, single submitter. Criteria: Invitae Variant Classification Sherloc (09022015). Collection method: clinical testing. Allele origin: germline.
Comment: This sequence change replaces valine, which is neutral and non-polar, with isoleucine, which is neutral and non-polar, at codon 1193 of the ATM protein (p.Val1193Ile). This variant is present in population databases (rs779148780, gnomAD 0.004%). This missense change has been observed in individual(s) with breast cancer (PMID: 34326862). ClinVar contains an entry for this variant (Variation ID: 186973). An algorithm developed to predict the effect of missense changes on protein structure and function (PolyPhen-2) suggests that this variant¬†is likely to be tolerated. In summary, the available evidence is currently insufficient to determine the role of this variant in disease. Therefore, it has been classified as a Variant of Uncertain Significance.

GeneDx
Classification: Uncertain significance. Last evaluated: 2024-05-20. Review status: criteria provided, single submitter. Criteria: GeneDx Variant Classification Process June 2021. Collection method: clinical testing. Allele origin: germline. Affected: yes.
Comment: Identified in a patient with a personal and family history of pancreatic cancer who also harbored a pathogenic PALB2 variant (PMID: 35135108); Not observed at significant frequency in large population cohorts (gnomAD); In silico analysis indicates that this missense variant does not alter protein structure/function; This variant is associated with the following publications: (PMID: 28652578, 19781682, 34326862, 35135108)

Quest Diagnostics Nichols Institute San Juan Capistrano
Classification: Uncertain significance. Last evaluated: 2024-02-01. Review status: criteria provided, single submitter. Criteria: Quest Diagnostics criteria. Collection method: clinical testing. Allele origin: unknown.

PreventionGenetics, part of Exact Sciences
Classification: Uncertain significance for ATM-related condition. Last evaluated: 2022-11-03. Review status: criteria provided, single submitter. Criteria: ACMG Guidelines, 2015. Collection method: clinical testing. Allele origin: germline.
Comment: The ATM c.3577G>A variant is predicted to result in the amino acid substitution p.Val1193Ile. To our knowledge, this variant has not been reported in the literature. This variant is reported in 0.0035% of alleles in individuals of European (Non-Finnish) descent in gnomAD. This variant has been interpreted in ClinVar as uncertain. At this time, the clinical significance of this variant is uncertain due to the absence of conclusive functional and genetic evidence.

CHEO Genetics Diagnostic Laboratory, Children's Hospital of Eastern Ontario
Classification: Uncertain significance for Breast and/or ovarian cancer. Last evaluated: 2021-05-11. Review status: criteria provided, single submitter. Criteria: ACMG Guidelines, 2015. Collection method: clinical testing. Allele origin: germline.

Institute for Biomarker Research, Medical Diagnostic Laboratories, L.L.C.
Classification: Uncertain significance for Hereditary cancer-predisposing syndrome. Last evaluated: 2018-01-16. Review status: criteria provided, single submitter. Criteria: ACMG Guidelines, 2015. Collection method: clinical testing. Allele origin: germline.

Fulgent Genetics
Classification: Uncertain significance for Familial cancer of breast; Ataxia-telangiectasia syndrome. Last evaluated: 2017-05-23. Review status: criteria provided, single submitter. Criteria: ACMG Guidelines, 2015. Collection method: clinical testing. Allele origin: unknown.

Women's Health and Genetics/Laboratory Corporation of America, LabCorp
Classification: Uncertain significance. Last evaluated: 2017-04-13. Review status: criteria provided, single submitter. Criteria: LabCorp Variant Classification Summary - May 2015. Collection method: clinical testing. Allele origin: germline.
Comment: Variant summary: The c.3577G>A (p.Val1193Ile) variant involves the alteration of a conserved nucleotide located in the first nucleotide of exon 25 in the ATM gene. The variant lies within the Armadillo-like helical domain (InterPro). 4/4 in silico tools predict a benign outcome for this variant. 4/5 splice prediction tools predict no significant impact on normal splicing and ESE finder predicts that this variant may introduce an SF2/ASF ESE site at the locus. However, these predictions have yet to be confirmed by functional studies. This variant was found in the large control database ExAC at a frequency of 0.0000083 (1/120766 control chromosomes), which does not exceed the estimated maximal expected allele frequency of a pathogenic ATM variant (0.0010005). In addition, multiple clinical diagnostic laboratories have classified this variant as being of uncertain significance. To our knowledge, the variant of interest has not been reported in affected individuals via publications and/or reputable databases, nor has it been evaluated for functional impact by in vivo/vitro studies. Because of the absence of clinical information and the lack of functional studies, the variant is classified as a variant of uncertain significance (VUS) until additional information becomes available.

Natera, Inc.
Classification: Uncertain significance for Ataxia-telangiectasia. Last evaluated: 2020-09-16. Review status: no assertion criteria provided. Collection method: clinical testing. Allele origin: germline. Not counted in ClinVar's aggregate classification.

Literature cited by the submitters: PubMed 34326862 (cited by Labcorp Genetics (formerly Invitae), Labcorp and Quest Diagnostics Nichols Institute San Juan Capistrano); PubMed 38153744 (cited by Quest Diagnostics Nichols Institute San Juan Capistrano); PubMed 28652578 (cited by Quest Diagnostics Nichols Institute San Juan Capistrano).